The following is an entry in ClinVar:

NM_139343.3(BIN1):c.1205C>T (p.Thr402Met)

Gene: BIN1 (bridging integrator 1; minus strand). Cytogenetic location: 2q14.3.
Variant type: single nucleotide variant.
Coding change: c.1205C>T on transcript NM_139343.3 (MANE Select); coding-DNA position 1205, C replaced by T.
Protein change: p.Thr402Met; replaces threonine 402 with methionine.
Molecular consequence: missense variant. On other transcripts: intron variant (12).
Genome position (GRCh38, 1-based): chr2:127,053,939, G>A on the plus strand (C>T on the coding strand, the complement: BIN1 is on the minus strand). VCF-style: chr2-127053939-G-A. GRCh37 (hg19) VCF-style: chr2-127811515-G-A.
Other names: c.1112C>T, p.Thr371Met (NM_001320641.2); c.1124C>T, p.Thr375Met (NM_001320642.1); c.1076C>T, p.Thr359Met (NM_139344.3); c.838-3027C>T (NM_001320634.1); c.910-3027C>T (NM_139351.3); c.910-2696C>T (NM_139350.3); c.910-1577C>T (NM_139349.3); c.1039-2696C>T (NM_139348.3); and 7 more; short protein forms T371M, T375M, T359M, T402M.
Identifiers: ClinVar variation 648328 (VCV000648328.13), dbSNP rs747660857, ClinGen allele CA1857163.

ClinVar aggregate classification (germline): Uncertain significance. Review status: criteria provided, multiple submitters, no conflicts (2 of 4 stars). 2 submissions from 2 submitters: Uncertain significance (2). Last evaluated 2024-09-20.

Conditions:
Myopathy, centronuclear, 2 (CNM2). Also called: MYOTUBULAR MYOPATHY, AUTOSOMAL RECESSIVE. Identifiers: Orphanet 169186, MedGen CN031787, MONDO:0009709, OMIM 255200.

Allele frequency attached by ClinVar (database versions not stated): gnomAD exomes 0.00001 and 0.00002; TOPMed 0.00007; gnomAD 0.00005 and 0.00006; ExAC 0.00010.
gnomAD v4.1: 33 of 1,551,580 alleles (0.0021%); highest among the groups gnomAD compares: African/African-American, 0.022%; 1 homozygote.

Submissions (2):

Revvity Omics, Revvity
Classification: Uncertain significance for Myopathy, centronuclear, 2. Last evaluated: 2024-09-20. Review status: criteria provided, single submitter. Criteria: ACMG Guidelines, 2015. Collection method: clinical testing. Allele origin: germline.

Labcorp Genetics (formerly Invitae), Labcorp
Classification: Uncertain significance for Myopathy, centronuclear, 2. Last evaluated: 2024-05-10. Review status: criteria provided, single submitter. Criteria: Invitae Variant Classification Sherloc (09022015). Collection method: clinical testing. Allele origin: germline.
Comment: This sequence change replaces threonine, which is neutral and polar, with methionine, which is neutral and non-polar, at codon 402 of the BIN1 protein (p.Thr402Met). The frequency data for this variant in the population databases is considered unreliable, as metrics indicate poor data quality at this position in the gnomAD database. This variant has not been reported in the literature in individuals affected with BIN1-related conditions. ClinVar contains an entry for this variant (Variation ID: 648328). An algorithm developed to predict the effect of missense changes on protein structure and function (PolyPhen-2) suggests that this variant is likely to be tolerated. In summary, the available evidence is currently insufficient to determine the role of this variant in disease. Therefore, it has been classified as a Variant of Uncertain Significance.